The following is an entry in ClinVar:

ClinVar aggregate classification (germline): Conflicting classifications of pathogenicity. Review status: criteria provided, conflicting classifications (1 of 4 stars). 7 submissions from 7 submitters: Uncertain significance (2); Likely benign (4). 1 of the submissions does not count toward it. Last evaluated 2026-02-04.

Conditions:
LZTR1-related disorder. Also called: LZTR1-related disorders; LZTR1-related condition.
Cardiovascular phenotype. Identifiers: MedGen CN230736.
Hereditary cancer-predisposing syndrome. Also called: Hereditary Cancer Syndrome; Hereditary neoplastic syndrome; Neoplastic Syndromes, Hereditary; Tumor predisposition. Identifiers: Orphanet 140162, MedGen C0027672, MeSH D009386, MONDO:0015356.
Noonan syndrome 2 (NS2). Identifiers: Orphanet 648, MedGen C1854469, MONDO:0011531, OMIM 605275.
Noonan syndrome 10 (NS10). Identifiers: Orphanet 648, MedGen C4225280, MONDO:0014693, OMIM 616564.
LZTR1-related schwannomatosis. Also called: Schwannomatosis 2; Schwannomatosis-2, susceptibility to. Identifiers: Orphanet 93921, MedGen C3810283, MONDO:0014299, OMIM 615670.

Allele frequency attached by ClinVar (database versions not stated): gnomAD exomes 0.00006 and 0.00013; 1000 Genomes Project 30x 0.00031; TOPMed 0.00035; 1000 Genomes Project 0.00040; gnomAD 0.00043 and 0.00046; ESP Exome Variant Server 0.00046.
gnomAD v4.1: 168 of 1,602,972 alleles (0.01%); highest among the groups gnomAD compares: African/African-American, 0.13%; 1 homozygote.

Submissions (7):

Labcorp Genetics (formerly Invitae), Labcorp
Classification: Likely benign. Last evaluated: 2026-02-04. Review status: criteria provided, single submitter. Criteria: Invitae Variant Classification Sherloc (09022015). Collection method: clinical testing. Allele origin: germline.

Ambry Genetics
Classification: Likely benign for Cardiovascular phenotype; Hereditary cancer-predisposing syndrome. Last evaluated: 2025-08-26. Review status: criteria provided, single submitter. Criteria: Ambry Variant Classification Scheme 2023. Collection method: clinical testing. Allele origin: germline.

CeGaT Center for Human Genetics Tuebingen
Classification: Likely benign. Last evaluated: 2024-04-01. Review status: criteria provided, single submitter. Criteria: CeGaT Center For Human Genetics Tuebingen Variant Classification Criteria Version 2. Collection method: clinical testing. Allele origin: germline. Affected: yes. Observed: 1 variant allele.
Comment: LZTR1: BS1

Women's Health and Genetics/Laboratory Corporation of America, LabCorp
Classification: Likely benign. Last evaluated: 2024-03-30. Review status: criteria provided, single submitter. Criteria: LabCorp Variant Classification Summary - May 2015. Collection method: clinical testing. Allele origin: germline.

GeneDx
Classification: Uncertain significance. Last evaluated: 2023-12-11. Review status: criteria provided, single submitter. Criteria: GeneDx Variant Classification Process June 2021. Collection method: clinical testing. Allele origin: germline. Affected: yes.
Comment: In silico analysis supports that this missense variant does not alter protein structure/function; Co-observed with a 22q11.2 deletion that included the LZTR1 gene in an individual with features of both 22q11.2 deletion syndrome and Noonan syndrome (PMID: 35689529); This variant is associated with the following publications: (PMID: 32310333, 35689529)

Clinical Genomics Laboratory, Stanford Medicine
Classification: Uncertain significance for Noonan syndrome 10; Noonan syndrome 2; LZTR1-related schwannomatosis. Last evaluated: 2022-12-05. Review status: criteria provided, single submitter. Criteria: ACMG Guidelines, 2015. Collection method: clinical testing. Allele origin: germline. Observed: 1 variant allele, 1 heterozygote.
Comment: The p.Val511Met variant in the LZTR1 gene has been previously reported in the compound heterozygous state with a 22q11.2 deletion in an individual with features consistent with 22q11.2 deletion syndrome and Noonan syndrome (Chinton et al., 2022). This variant has been identified in 30/22,248 African/African American chromosomes (43/260,084 chromosomes overall) by the Genome Aggregation Database. This allele frequency is higher than expected for a pathogenic variant. This variant is present in ClinVar (Accession: VCV000992260.27). The valine at position 511 is evolutionarily conserved. Computational tools predict that the p.Val511Met variant is deleterious; however, the accuracy of in silico algorithms is limited. These data were assessed using the ACMG/AMP variant interpretation guidelines. In summary, the significance of the p.Val511Met variant is uncertain. Additional information is needed to resolve the significance of this variant. [ACMG evidence codes used: BS1_Supporting; PP3]

PreventionGenetics, part of Exact Sciences
Classification: Likely benign for LZTR1-related condition. Last evaluated: 2024-03-04. Review status: no assertion criteria provided. Collection method: clinical testing. Allele origin: germline. Not counted in ClinVar's aggregate classification.
Comment: This variant is classified as likely benign based on ACMG/AMP sequence variant interpretation guidelines (Richards et al. 2015 PMID: 25741868, with internal and published modifications).

Literature cited by the submitters: PubMed 32310333 (cited by Women's Health and Genetics/Laboratory Corporation of America, LabCorp); PubMed 35689529 (cited by Clinical Genomics Laboratory, Stanford Medicine).

NM_006767.4(LZTR1):c.1531G>A (p.Val511Met)

Gene: LZTR1 (leucine zipper like post translational regulator 1; plus strand). Cytogenetic location: 22q11.21.
Variant type: single nucleotide variant.
Coding change: c.1531G>A on transcript NM_006767.4 (MANE Select); coding-DNA position 1531, G replaced by A.
Protein change: p.Val511Met; replaces valine 511 with methionine.
Molecular consequence: missense variant.
Genome position (GRCh38, 1-based): chr22:20,994,185, G>A. VCF-style: chr22-20994185-G-A. GRCh37 (hg19) VCF-style: chr22-21348474-G-A.
Other names: short protein forms V511M.
Identifiers: ClinVar variation 992260 (VCV000992260.38), dbSNP rs200062851, ClinGen allele CA10118930.